The following is an entry in ClinVar:

NM_001329943.3(KIAA0586):c.480T>A (p.Asp160Glu)

Gene: KIAA0586 (KIAA0586; plus strand). Cytogenetic location: 14q23.1.
Variant type: single nucleotide variant.
Coding change: c.480T>A on transcript NM_001329943.3 (MANE Select); coding-DNA position 480, T replaced by A.
Protein change: p.Asp160Glu; replaces aspartic acid 160 with glutamic acid.
Molecular consequence: missense variant.
Genome position (GRCh38, 1-based): chr14:58,442,775, T>A. VCF-style: chr14-58442775-T-A. GRCh37 (hg19) VCF-style: chr14-58909493-T-A.
Other names: c.480T>A, p.Asp160Glu (NM_001329947.2, NM_014749.5, NM_001329944.2 and 1 more transcripts); c.225T>A, p.Asp75Glu (NM_001364700.1, NM_001364701.2, NM_001244191.2 and 1 more transcripts); c.639T>A, p.Asp213Glu (NM_001244189.2); c.435T>A, p.Asp145Glu (NM_001244190.2); c.348T>A, p.Asp116Glu (NM_001244192.2); c.60T>A, p.Asp20Glu (NM_001244193.2); short protein forms D145E, D20E, D213E, D160E, D116E, D75E.
Identifiers: ClinVar variation 1446571 (VCV001446571.8), dbSNP rs1202184988, ClinGen allele CA389861730.

ClinVar aggregate classification (germline): Uncertain significance (1 of 4 stars; one submission).

Conditions:
Short-rib thoracic dysplasia 14 with polydactyly (SRTD14). Identifiers: Orphanet 397715, MedGen C4225286, MONDO:0014688, OMIM 616546.
Joubert syndrome 23 (JBTS23). Identifiers: Orphanet 475, MedGen C4084822, MONDO:0014664, OMIM 616490.

Allele frequency attached by ClinVar (database versions not stated): TOPMed below 0.00001.

Submission:

Labcorp Genetics (formerly Invitae), Labcorp
Classification: Uncertain significance for Joubert syndrome 23; Short-rib thoracic dysplasia 14 with polydactyly. Last evaluated: 2021-06-13. Review status: criteria provided, single submitter. Criteria: Invitae Variant Classification Sherloc (09022015). Collection method: clinical testing. Allele origin: germline.
Comment: This sequence change replaces aspartic acid with glutamic acid at codon 213 of the KIAA0586 protein (p.Asp213Glu). The aspartic acid residue is moderately conserved and there is a small physicochemical difference between aspartic acid and glutamic acid. This variant is not present in population databases (ExAC no frequency). This variant has not been reported in the literature in individuals with KIAA0586-related conditions. Algorithms developed to predict the effect of missense changes on protein structure and function output the following: SIFT: "Tolerated"; PolyPhen-2: "Benign"; Align-GVGD: "Class C0". The glutamic acid amino acid residue is found in multiple mammalian species, suggesting that this missense change does not adversely affect protein function. These predictions have not been confirmed by published functional studies and their clinical significance is uncertain. In summary, the available evidence is currently insufficient to determine the role of this variant in disease. Therefore, it has been classified as a Variant of Uncertain Significance.